The following is an entry in ClinVar:

NM_005052.3(RAC3):c.358C>T (p.Arg120Cys)

Gene: RAC3 (Rac family small GTPase 3; plus strand). Cytogenetic location: 17q25.3.
Variant type: single nucleotide variant.
Coding change: c.358C>T on transcript NM_005052.3 (MANE Select); coding-DNA position 358, C replaced by T.
Protein change: p.Arg120Cys; replaces arginine 120 with cysteine.
Molecular consequence: missense variant.
Genome position (GRCh38, 1-based): chr17:82,033,509, C>T. VCF-style: chr17-82033509-C-T. GRCh37 (hg19) VCF-style: chr17-79991385-C-T.
Other names: c.358C>T, p.Arg120Cys (NM_001316307.2); short protein forms R120C.
Identifiers: ClinVar variation 3429394 (VCV003429394.2).
Genomic context (GRCh38, chr17:82,033,509, plus strand): 5'-GAGGTGCGGCACCACTGCCCCCACACGCCCATCCTCCTGGTGGGCACCAAGCTGGACCTC[C>T]GCGACGACAAGGACACCATTGAGCGGCTGCGGGACAAGAAGCTGGCACCCATCACCTACC-3'
Protein context (NP_005043.1, residues 110-130): ILLVGTKLDL[Arg120Cys]DDKDTIERLR

ClinVar aggregate classification (germline): Uncertain significance. Review status: criteria provided, multiple submitters, no conflicts (2 of 4 stars). 2 submissions from 2 submitters: Uncertain significance (2). Last evaluated 2025-05-12.

Conditions:
Inborn genetic diseases. Identifiers: MedGen C0950123, MeSH D030342.

gnomAD v4.1: 4 of 1,612,836 alleles (0.00025%); highest among the groups gnomAD compares: Admixed American, 0.0017%; no homozygotes.

Submissions (2):

GeneDx
Classification: Uncertain significance. Last evaluated: 2025-05-12. Review status: criteria provided, single submitter. Criteria: GeneDx Variant Classification Process June 2021. Collection method: clinical testing. Allele origin: germline. Affected: yes.
Comment: In silico analysis supports that this missense variant has a deleterious effect on protein structure/function; Has not been previously published as pathogenic or benign to our knowledge

Ambry Genetics
Classification: Uncertain significance for Inborn genetic diseases. Last evaluated: 2024-08-14. Review status: criteria provided, single submitter. Criteria: Ambry Variant Classification Scheme 2023. Collection method: clinical testing. Allele origin: germline.